The following is an entry in ClinVar:

ClinVar aggregate classification (germline): Uncertain significance (1 of 4 stars; one submission).

Submission:

GeneDx
Classification: Uncertain significance. Last evaluated: 2023-10-04. Review status: criteria provided, single submitter. Criteria: GeneDx Variant Classification Process June 2021. Collection method: clinical testing. Allele origin: germline. Affected: yes.
Comment: Has not been previously published as pathogenic or benign to our knowledge; Not observed at significant frequency in large population cohorts (gnomAD); In silico analysis supports that this missense variant has a deleterious effect on protein structure/function

NM_170675.5(MEIS2):c.367A>T (p.Ile123Phe)

Gene: MEIS2 (Meis homeobox 2; minus strand). Cytogenetic location: 15q14.
Variant type: single nucleotide variant.
Coding change: c.367A>T on transcript NM_170675.5 (MANE Select); coding-DNA position 367, A replaced by T.
Protein change: p.Ile123Phe; replaces isoleucine 123 with phenylalanine.
Molecular consequence: missense variant. On other transcripts: non-coding transcript variant (1).
Genome position (GRCh38, 1-based): chr15:37,096,309, T>A on the plus strand (A>T on the coding strand, the complement: MEIS2 is on the minus strand). VCF-style: chr15-37096309-T-A. GRCh37 (hg19) VCF-style: chr15-37388510-T-A.
Other names: c.367A>T, p.Ile123Phe (NM_001220482.2, NM_170674.5, NM_170676.5 and 1 more transcripts); c.328A>T, p.Ile110Phe (NM_002399.4, NM_172315.3); c.103A>T, p.Ile35Phe (NM_172316.3); short protein forms I110F, I123F, I35F.
Identifiers: ClinVar variation 3252688 (VCV003252688.1), dbSNP rs2505254396.
Genomic context (GRCh38, chr15:37,096,309, plus strand): 5'-GAGGGACTGCCCGAAGTTGAGTGGATCAAGAAGGCTGGACCTGCTTGGCGAAGACCGCGA[T>A]GTCCTCGTTGAAGGAGTCGGAGGAGCAGACGTCTCCGCCAGCCACTCCAGGTTCCCGGGG-3'
Protein context (NP_733775.1, residues 113-133): VCSSDSFNED[Ile123Phe]AVFAKQVRAE